The following continues an entry in ClinVar:

NM_000535.7(PMS2):c.877A>G (p.Asn293Asp)

Gene: PMS2. ClinVar aggregate classification (germline): Conflicting classifications of pathogenicity. Uncertain significance (15); Benign (1).

Submissions 10 to 17 of 17:

Ambry Genetics
Classification: Uncertain significance for Hereditary cancer-predisposing syndrome. Last evaluated: 2023-12-27. Review status: criteria provided, single submitter. Criteria: Ambry Variant Classification Scheme 2023. Collection method: clinical testing. Allele origin: germline.
Comment: The p.N293D variant (also known as c.877A>G), located in coding exon 8 of the PMS2 gene, results from an A to G substitution at nucleotide position 877. The asparagine at codon 293 is replaced by aspartic acid, an amino acid with highly similar properties. This variant was also identified in a cohort of 3,579 African males diagnosed with prostate cancer who underwent multi-gene panel testing of 19 DNA repair and cancer predisposition genes (Matejcic M et al. JCO Precis Oncol, 2020 Jan;4:32-43). This amino acid position is highly conserved in available vertebrate species. In addition, this alteration is predicted to be deleterious by in silico analysis. Since supporting evidence is limited at this time, the clinical significance of this alteration remains unclear.

Baylor Genetics
Classification: Uncertain significance for Lynch syndrome 4. Last evaluated: 2023-10-04. Review status: criteria provided, single submitter. Criteria: ACMG Guidelines, 2015. Collection method: clinical testing. Allele origin: unknown.

Myriad Genetics, Inc.
Classification: Uncertain significance for Lynch syndrome 4. Last evaluated: 2023-04-04. Review status: criteria provided, single submitter. Criteria: Myriad Autosomal Dominant, Autosomal Recessive and X-Linked Classification Criteria (2023). Collection method: clinical testing. Allele origin: unknown.
Comment: This variant is classified as a variant of uncertain significance as there is insufficient evidence to determine its impact on protein function and/or cancer risk.

Sema4
Classification: Uncertain significance for Hereditary cancer-predisposing syndrome. Last evaluated: 2021-12-17. Review status: criteria provided, single submitter. Criteria: Sema4 Curation Guidelines. Collection method: curation. Allele origin: germline.
Comment: The PMS2 c.877A>G (p.N293D) variant has been reported in individuals with breast cancer and individual with unspecified cancer (PMID: 25186627, 31391288). It was observed in 3/24960 chromosomes of the African/African American subpopulation in the large and broad cohorts of the Genome Aggregation Database (PMID: 32461654). The variant has been reported in ClinVar (Variation ID 142577). In silico tools suggest the impact of the variant on protein function is deleterious though these predictions have not been confirmed by functional studies. The evidence is insufficient to meet ACMG/AMP criteria for classifying the variant as benign or pathogenic. Thus, the clinical significance of this variant is currently uncertain.

Fulgent Genetics
Classification: Uncertain significance for Mismatch repair cancer syndrome 1; Lynch syndrome 4. Last evaluated: 2018-10-31. Review status: criteria provided, single submitter. Criteria: ACMG Guidelines, 2015. Collection method: clinical testing. Allele origin: unknown.

Institute for Biomarker Research, Medical Diagnostic Laboratories, L.L.C.
Classification: Uncertain significance for Hereditary cancer-predisposing syndrome. Last evaluated: 2018-05-23. Review status: criteria provided, single submitter. Criteria: ACMG Guidelines, 2015. Collection method: clinical testing. Allele origin: germline.

Genomic Diagnostic Laboratory, Division of Genomic Diagnostics, Children's Hospital of Philadelphia
Classification: Uncertain significance for Lynch syndrome. Last evaluated: 2015-10-13. Review status: criteria provided, single submitter. Criteria: DGD Variant Analysis Guidelines. Collection method: clinical testing. Allele origin: unknown.

Counsyl
Classification: Uncertain significance for Lynch syndrome 4. Last evaluated: 2016-05-27. Review status: no assertion criteria provided. Collection method: clinical testing. Allele origin: unknown. Not counted in ClinVar's aggregate classification.

Literature cited by the submitters: PubMed 25186627 (cited by 6 submitters); PubMed 31391288 (cited by 5 submitters); PubMed 32832836 (cited by 4 submitters); PubMed 30787465 (cited by Quest Diagnostics Nichols Institute San Juan Capistrano); PubMed 32459922 (cited by Quest Diagnostics Nichols Institute San Juan Capistrano).